The following is an entry in ClinVar:

NM_000368.5(TSC1):c.710C>T (p.Ser237Phe)

Gene: TSC1 (TSC complex subunit 1; minus strand). Cytogenetic location: 9q34.13.
Variant type: single nucleotide variant.
Coding change: c.710C>T on transcript NM_000368.5 (MANE Select); coding-DNA position 710, C replaced by T.
Protein change: p.Ser237Phe; replaces serine 237 with phenylalanine.
Molecular consequence: missense variant. On other transcripts: 5 prime UTR variant (1), non-coding transcript variant (5), intron variant (4).
Genome position (GRCh38, 1-based): chr9:132,921,390, G>A on the plus strand (C>T on the coding strand, the complement: TSC1 is on the minus strand). VCF-style: chr9-132921390-G-A. GRCh37 (hg19) VCF-style: chr9-135796777-G-A.
Other names: c.710C>T, p.Ser237Phe (NM_001406598.1, NM_001406599.1, NM_001406600.1 and 16 more transcripts); c.557C>T, p.Ser186Phe (NM_001406610.1, NM_001406611.1, NM_001406612.1 and 2 more transcripts); c.347C>T, p.Ser116Phe (NM_001406614.1, NM_001406615.1, NM_001362177.2 and 10 more transcripts); c.-384C>T (NM_001406630.1); c.-215+429C>T (NM_001406627.1, NM_001406628.1, NM_001406626.1); c.-357+429C>T (NM_001406629.1); short protein forms S186F, S237F, S116F.
Identifiers: ClinVar variation 2743520 (VCV002743520.3), dbSNP rs2132135077, ClinGen allele CA375371318.

ClinVar aggregate classification (germline): Uncertain significance (1 of 4 stars; one submission).

Conditions:
Tuberous sclerosis 1 (TSC1). Identifiers: Orphanet 805, MedGen C1854465, MONDO:0008612, OMIM 191100.

Submission:

Labcorp Genetics (formerly Invitae), Labcorp
Classification: Uncertain significance for Tuberous sclerosis 1. Last evaluated: 2023-07-16. Review status: criteria provided, single submitter. Criteria: Invitae Variant Classification Sherloc (09022015). Collection method: clinical testing. Allele origin: germline.
Comment: This variant has not been reported in the literature in individuals affected with TSC1-related conditions. This variant is not present in population databases (gnomAD no frequency). This sequence change replaces serine, which is neutral and polar, with phenylalanine, which is neutral and non-polar, at codon 237 of the TSC1 protein (p.Ser237Phe). Advanced modeling of protein sequence and biophysical properties (such as structural, functional, and spatial information, amino acid conservation, physicochemical variation, residue mobility, and thermodynamic stability) performed at Invitae indicates that this missense variant is not expected to disrupt TSC1 protein function. In summary, the available evidence is currently insufficient to determine the role of this variant in disease. Therefore, it has been classified as a Variant of Uncertain Significance.